The following is an entry in ClinVar:

ClinVar aggregate classification (germline): Uncertain significance (1 of 4 stars; one submission).

Conditions:
Familial cold autoinflammatory syndrome 3 (FCAS3). Also called: FAMILIAL ATYPICAL COLD URTICARIA; ANTIBODY DEFICIENCY AND IMMUNE DYSREGULATION, PLCG2-ASSOCIATED. Identifiers: Orphanet 300359, MedGen C3280914, MONDO:0013766, OMIM 614468.

gnomAD v4.1: 3 of 1,614,078 alleles (0.00019%); highest among the groups gnomAD compares: Non-Finnish European, 0.00017%; no homozygotes.

Submission:

Victorian Clinical Genetics Services, Murdoch Childrens Research Institute
Classification: Uncertain significance for Familial cold autoinflammatory syndrome 3. Last evaluated: 2026-03-03. Review status: criteria provided, single submitter. Criteria: ACMG Guidelines, 2015. Collection method: clinical testing. Allele origin: germline. Affected: yes.
Comment: This variant is classified as VUS-3A. Evidence in support of pathogenic classification: Variant is present in gnomAD <0.001 for a dominant condition (v4: 3 heterozygote(s), 0 homozygote(s)); Missense variant predicted to be damaging by in silico tool(s) or highly conserved with a major amino acid change. Additional information: Variant is predicted to result in a missense amino acid change from Arg to Pro; This variant is heterozygous; This gene is associated with autosomal dominant disease; Alternative amino acid change(s) at the same position are present in gnomAD (highest allele count: v4: 4 heterozygote(s), 0 homozygote(s)); This variant has no previous evidence of pathogenicity; No published evidence of segregation with disease has been identified for this variant; No published functional evidence has been identified for this variant; Other missense variant(s) comparable to the one identified in this case have inconclusive previous evidence for pathogenicity. p.(Arg376Gly) and p.(Arg376Gln) have been classified as VUS by clinical laboratories in ClinVar; Variant is located in the annotated phosphatidylinositol-specific phospholipase C, X domain (DECIPHER); Gain of function is a known mechanism of disease in this gene and is associated with autoinflammation, antibody deficiency, and immune dysregulation syndrome (MIM#614878) and familial cold autoinflammatory syndrome 3 (MIM#614468) (PMIDs: 37094224, 31853824).

Literature cited by the submitters: PubMed 37094224; PubMed 31853824.

NM_002661.5(PLCG2):c.1127G>C (p.Arg376Pro)

Gene: PLCG2 (phospholipase C gamma 2; plus strand). Cytogenetic location: 16q23.3.
Variant type: single nucleotide variant.
Coding change: c.1127G>C on transcript NM_002661.5 (MANE Select); coding-DNA position 1127, G replaced by C.
Protein change: p.Arg376Pro; replaces arginine 376 with proline.
Molecular consequence: missense variant.
Genome position (GRCh38, 1-based): chr16:81,895,861, G>C. VCF-style: chr16-81895861-G-C. GRCh37 (hg19) VCF-style: chr16-81929466-G-C.
Other names: c.1127G>C, p.Arg376Pro (NM_001425749.1, NM_001425750.1, NM_001425751.1); short protein forms R376P.
Identifiers: ClinVar variation 4531620 (VCV004531620.3).